The following is an entry in ClinVar:

ClinVar aggregate classification (germline): Uncertain significance (1 of 4 stars; one submission).

Conditions:
Hereditary cancer-predisposing syndrome. Also called: Hereditary Cancer Syndrome; Hereditary neoplastic syndrome; Neoplastic Syndromes, Hereditary; Tumor predisposition. Identifiers: Orphanet 140162, MedGen C0027672, MeSH D009386, MONDO:0015356.

Submission:

Ambry Genetics
Classification: Uncertain significance for Hereditary cancer-predisposing syndrome. Last evaluated: 2025-06-24. Review status: criteria provided, single submitter. Criteria: Ambry Variant Classification Scheme 2023. Collection method: clinical testing. Allele origin: germline.
Comment: The p.N78Y variant (also known as c.232A>T), located in coding exon 2 of the FH gene, results from an A to T substitution at nucleotide position 232. The asparagine at codon 78 is replaced by tyrosine, an amino acid with dissimilar properties. This amino acid position is highly conserved in available vertebrate species. In addition, this alteration is predicted to be deleterious by in silico analysis. Based on the available evidence, the clinical significance of this variant remains unclear.

NM_000143.4(FH):c.232A>T (p.Asn78Tyr)

Gene: FH (fumarate hydratase; minus strand). Cytogenetic location: 1q43.
Variant type: single nucleotide variant.
Coding change: c.232A>T on transcript NM_000143.4 (MANE Select); coding-DNA position 232, A replaced by T.
Protein change: p.Asn78Tyr; replaces asparagine 78 with tyrosine.
Molecular consequence: missense variant.
Genome position (GRCh38, 1-based): chr1:241,517,217, T>A on the plus strand (A>T on the coding strand, the complement: FH is on the minus strand). VCF-style: chr1-241517217-T-A. GRCh37 (hg19) VCF-style: chr1-241680517-T-A.
Other names: short protein forms N78Y.
Identifiers: ClinVar variation 4257323 (VCV004257323.1).